The following is an entry in ClinVar:

NM_031448.6(C19orf12):c.391A>G (p.Lys131Glu)

Gene: C19orf12 (chromosome 19 open reading frame 12; minus strand). Cytogenetic location: 19q12.
Variant type: single nucleotide variant.
Coding change: c.391A>G on transcript NM_031448.6 (MANE Select); coding-DNA position 391, A replaced by G.
Protein change: p.Lys131Glu; replaces lysine 131 with glutamic acid.
Molecular consequence: missense variant. On other transcripts: 3 prime UTR variant (1).
Genome position (GRCh38, 1-based): chr19:29,702,747, T>C on the plus strand (A>G on the coding strand, the complement: C19orf12 is on the minus strand). VCF-style: chr19-29702747-T-C. GRCh37 (hg19) VCF-style: chr19-30193654-T-C.
Other names: C19ORF12, LYS142GLU; p.Lys142Glu; c.391A>G, p.Lys131Glu (NM_001031726.4, NM_001256047.2); c.*12A>G (NM_001256046.3); c.199A>G, p.Lys67Glu (NM_001282929.1, NM_001282930.3, NM_001282931.3); short protein forms K142E, K131E, K67E.
Identifiers: ClinVar variation 31158 (VCV000031158.72), dbSNP rs146170087, ClinGen allele CA259994.

ClinVar aggregate classification (germline): Conflicting classifications of pathogenicity. Review status: criteria provided, conflicting classifications (1 of 4 stars). 17 submissions from 16 submitters: Uncertain significance (4); Benign (3); Likely benign (4). 6 of the submissions do not count toward it. Last evaluated 2026-10-01.

Conditions:
Neurodegeneration with brain iron accumulation 4 (NBIA4). Also called: MITOCHONDRIAL PROTEIN-ASSOCIATED NEURODEGENERATION. Identifiers: Orphanet 289560, MedGen C3280371, MONDO:0013674, OMIM 614298. Disease mechanism: loss of function.
Hereditary spastic paraplegia 43. Also called: Spastic paraplegia 43, autosomal recessive. Identifiers: Orphanet 320370, MedGen C2680446, MONDO:0014024, OMIM 615043.
Hereditary spastic paraplegia. Also called: Familial spastic paraparesis. Identifiers: Orphanet 685, MedGen C0037773, MONDO:0019064. Disease mechanism: loss of function.
Hereditary spastic paraplegia 5A (SPG5A). Also called: SPASTIC PARAPLEGIA 5A, AUTOSOMAL RECESSIVE. Identifiers: Orphanet 100986, MedGen C1849115, MONDO:0010047, OMIM 270800.
Dystonic disorder. Also called: Dystonia. Identifiers: MedGen C0013421, MONDO:0003441, HP:0001332.
Adult-onset night blindness. Identifiers: MedGen C4024790, HP:0007830.
Peripheral visual field loss. Identifiers: MedGen C0241688, HP:0007994.
Mental deterioration. Also called: Cognitive decline. Identifiers: MedGen C0234985, HP:0001268.
Tremor. Also called: tremors. Identifiers: MedGen C0040822, HP:0001337.

Allele frequency attached by ClinVar (database versions not stated): gnomAD exomes 0.00229 and 0.00161; gnomAD 0.00094 and 0.00123; ESP Exome Variant Server 0.00123; TOPMed 0.00124; 1000 Genomes Project 30x 0.00172; 1000 Genomes Project 0.00220; ExAC 0.00244.
gnomAD v4.1: 2,554 of 1,613,932 alleles (0.16%); highest among the groups gnomAD compares: South Asian, 0.94%; 18 homozygotes.

Submissions (17):

CeGaT Center for Human Genetics Tuebingen
Classification: Likely benign. Last evaluated: 2026-10-01. Review status: criteria provided, single submitter. Criteria: CeGaT Center For Human Genetics Tuebingen Variant Classification Criteria Version 2. Collection method: clinical testing. Allele origin: germline. Affected: yes. Observed: 11 variant alleles.
Comment: C19orf12: PM3, PM2:Supporting, BP4, BS2

Labcorp Genetics (formerly Invitae), Labcorp
Classification: Benign for Hereditary spastic paraplegia 43. Last evaluated: 2026-02-04. Review status: criteria provided, single submitter. Criteria: Invitae Variant Classification Sherloc (09022015). Collection method: clinical testing. Allele origin: germline.

Blueprint Genetics
Classification: Likely benign. Last evaluated: 2024-11-25. Review status: criteria provided, single submitter. Criteria: ACMG Guidelines, 2015. Collection method: clinical testing. Allele origin: germline.

Women's Health and Genetics/Laboratory Corporation of America, LabCorp
Classification: Benign. Last evaluated: 2023-12-11. Review status: criteria provided, single submitter. Criteria: LabCorp Variant Classification Summary - May 2015. Collection method: clinical testing. Allele origin: germline.
Comment: Variant summary: C19orf12 c.391A>G (p.Lys131Glu) results in a conservative amino acid change in the encoded protein sequence. Four of five in-silico tools predict a benign effect of the variant on protein function. The variant allele was found at a frequency of 0.0023 in 250744 control chromosomes, predominantly at a frequency of 0.0096 within the South Asian subpopulation in the gnomAD database, including 3 homozygotes. The observed variant frequency within South Asian control individuals in the gnomAD database is approximately 16 fold of the estimated maximal expected allele frequency for a pathogenic variant in C19orf12 causing Neurodegeneration With Brain Iron Accumulation phenotype (0.0006), strongly suggesting that the variant is a benign polymorphism found primarily in populations of South Asian origin. To our knowledge, no experimental evidence demonstrating its impact on protein function have been reported. Eight submitters have cited clinical-significance assessments for this variant to ClinVar after 2014. Multiple submitters reported the variant with conflicting assessments: benign (n=1), likely benign (n=3), uncertain significance (n=3) and pathogenic (n=1). Based on the evidence outlined above, the variant was classified as benign.

Mayo Clinic Laboratories, Mayo Clinic
Classification: Benign. Last evaluated: 2023-07-10. Review status: criteria provided, single submitter. Criteria: ACMG Guidelines, 2015. Collection method: clinical testing. Allele origin: germline. Observed: 6 variant alleles.
Comment: BS1, BS2

Mendelics
Classification: Uncertain significance for Neurodegeneration with brain iron accumulation 4. Last evaluated: 2021-12-03. Review status: criteria provided, single submitter. Criteria: Mendelics Assertion Criteria 2017. Collection method: clinical testing. Allele origin: unknown.

GeneDx
Classification: Likely benign. Last evaluated: 2021-01-25. Review status: criteria provided, single submitter. Criteria: GeneDx Variant Classification Process June 2021. Collection method: clinical testing. Allele origin: germline. Affected: yes.
Comment: This variant is associated with the following publications: (PMID: 30088953, 21981780, 25592411)

Institute of Human Genetics, University of Leipzig Medical Center
Classification: Likely benign for Hereditary spastic paraplegia 43. Last evaluated: 2019-01-01. Review status: criteria provided, single submitter. Criteria: ACMG Guidelines, 2015. Collection method: clinical testing. Allele origin: unknown. Affected: yes.

Genomic Research Center, Shahid Beheshti University of Medical Sciences
Classification: Uncertain significance for Spastic paraplegia 5A. Last evaluated: 2018-08-07. Review status: criteria provided, single submitter. Criteria: ACMG Guidelines, 2015. Collection method: clinical testing. Allele origin: inherited. Affected: no. Observed: 1 variant allele.

Genomic Research Center, Shahid Beheshti University of Medical Sciences
Classification: Uncertain significance for Neurodegeneration with brain iron accumulation 4. Last evaluated: 2018-08-07. Review status: criteria provided, single submitter. Criteria: ACMG Guidelines, 2015. Collection method: clinical testing. Allele origin: inherited. Affected: no. Observed: 1 variant allele.

Genome Diagnostics Laboratory, The Hospital for Sick Children
Classification: Uncertain significance for Hereditary spastic paraplegia. Last evaluated: 2017-01-31. Review status: criteria provided, single submitter. Criteria: ACMG Guidelines, 2015. Collection method: clinical testing. Allele origin: germline. Affected: yes.

Solve-RD Consortium
Classification: Likely pathogenic for Neurodegeneration with brain iron accumulation 4. Last evaluated: 2022-06-01. Review status: no assertion criteria provided. Collection method: provider interpretation. Allele origin: inherited. Affected: yes. Not counted in ClinVar's aggregate classification.
Comment: Variant confirmed as disease-causing by referring clinical team

Variant identified during reanalysis of unsolved cases by the Solve-RD project. The Solve-RD project has received funding from the European Union’s Horizon 2020 research and innovation programme under grant agreement No 779257.

Clinical Genetics DNA and cytogenetics Diagnostics Lab, Erasmus MC, Erasmus Medical Center
Classification: Likely benign. Review status: no assertion criteria provided. Collection method: clinical testing. Allele origin: germline. Affected: yes. Study: VKGL Data-share Consensus. Not counted in ClinVar's aggregate classification.

Diagnostic Laboratory, Department of Genetics, University Medical Center Groningen
Classification: Likely benign. Review status: no assertion criteria provided. Collection method: clinical testing. Allele origin: germline. Affected: yes. Study: VKGL Data-share Consensus. Not counted in ClinVar's aggregate classification.

Genome Diagnostics Laboratory, University Medical Center Utrecht
Classification: Likely benign. Review status: no assertion criteria provided. Collection method: clinical testing. Allele origin: germline. Affected: yes. Study: VKGL Data-share Consensus. Not counted in ClinVar's aggregate classification.

Centre for Mendelian Genomics, University Medical Centre Ljubljana
Classification: Pathogenic for Adult-onset night blindness; Dystonic disorder; Mental deterioration; Peripheral visual field loss; Tremor. Last evaluated: 2015-07-01. Review status: flagged submission. Criteria: ACMG Guidelines, 2015. Collection method: clinical testing. Allele origin: unknown. Affected: yes. Not counted in ClinVar's aggregate classification.
ClinVar note: Reason: Older claim that does not account for recent evidence

OMIM
Classification: Pathogenic for NEURODEGENERATION WITH BRAIN IRON ACCUMULATION 4, AUTOSOMAL RECESSIVE. Last evaluated: 2011-10-07. Review status: flagged submission. Collection method: literature only. Allele origin: germline. Not counted in ClinVar's aggregate classification.
ClinVar note: Reason: Older claim that does not account for recent evidence

Literature cited by the submitters: PubMed 39825153 (cited by Solve-RD Consortium); PubMed 21981780 (cited by OMIM).